The following is an entry in ClinVar:

ClinVar aggregate classification (germline): Uncertain significance. Review status: criteria provided, multiple submitters, no conflicts (2 of 4 stars). 2 submissions from 2 submitters: Uncertain significance (2). Last evaluated 2024-03-31.

Conditions:
Inborn genetic diseases. Identifiers: MedGen C0950123, MeSH D030342.

Allele frequency attached by ClinVar (database versions not stated): gnomAD exomes 0.00002; gnomAD 0.00003; TOPMed 0.00003; ExAC 0.00006.
gnomAD v4.1: 31 of 1,613,124 alleles (0.0019%); highest among the groups gnomAD compares: South Asian, 0.024%; no homozygotes.

Submissions (2):

Ambry Genetics
Classification: Uncertain significance for Inborn genetic diseases. Last evaluated: 2024-03-31. Review status: criteria provided, single submitter. Criteria: Ambry Variant Classification Scheme 2023. Collection method: clinical testing. Allele origin: germline.

Labcorp Genetics (formerly Invitae), Labcorp
Classification: Uncertain significance. Last evaluated: 2022-04-17. Review status: criteria provided, single submitter. Criteria: Invitae Variant Classification Sherloc (09022015). Collection method: clinical testing. Allele origin: germline.
Comment: This sequence change replaces arginine, which is basic and polar, with tryptophan, which is neutral and slightly polar, at codon 440 of the DMXL2 protein (p.Arg440Trp). This variant is present in population databases (rs560768098, gnomAD 0.03%). This variant has not been reported in the literature in individuals affected with DMXL2-related conditions. Algorithms developed to predict the effect of missense changes on protein structure and function are either unavailable or do not agree on the potential impact of this missense change (SIFT: "Deleterious"; PolyPhen-2: "Possibly Damaging"; Align-GVGD: "Class C15"). In summary, the available evidence is currently insufficient to determine the role of this variant in disease. Therefore, it has been classified as a Variant of Uncertain Significance.

NM_001378457.1(DMXL2):c.1318C>T (p.Arg440Trp)

Gene: DMXL2 (Dmx like 2; minus strand). Cytogenetic location: 15q21.2.
Variant type: single nucleotide variant.
Coding change: c.1318C>T on transcript NM_001378457.1 (MANE Select); coding-DNA position 1318, C replaced by T.
Protein change: p.Arg440Trp; replaces arginine 440 with tryptophan.
Molecular consequence: missense variant. On other transcripts: non-coding transcript variant (2), intron variant (1).
Genome position (GRCh38, 1-based): chr15:51,538,240, G>A on the plus strand (C>T on the coding strand, the complement: DMXL2 is on the minus strand). VCF-style: chr15-51538240-G-A. GRCh37 (hg19) VCF-style: chr15-51830437-G-A.
Other names: c.1318C>T, p.Arg440Trp (NM_001174116.3, NM_001174117.3, NM_001378458.1 and 6 more transcripts); c.1106-481C>T (NM_001378464.1); c.1318C>T (NM_001174116.1); short protein forms R440W.
Identifiers: ClinVar variation 1946670 (VCV001946670.3), dbSNP rs560768098, ClinGen allele CA7562626.